The following is an entry in ClinVar:

ClinVar aggregate classification (germline): Pathogenic (1 of 4 stars; one submission).

Conditions:
Cardiovascular phenotype. Identifiers: MedGen CN230736.

Submission:

Ambry Genetics
Classification: Pathogenic for Cardiovascular phenotype. Last evaluated: 2020-10-08. Review status: criteria provided, single submitter. Criteria: Ambry Variant Classification Scheme 2023. Collection method: clinical testing. Allele origin: germline.
Comment: The c.2734dupC pathogenic mutation, located in coding exon 12 of the KCNH2 gene, results from a duplication of C at nucleotide position 2734, causing a translational frameshift with a predicted alternate stop codon (p.R912Pfs*8). This alteration is expected to result in loss of function by premature protein truncation or nonsense-mediated mRNA decay. As such, this alteration is interpreted as a disease-causing mutation.

NM_000238.4(KCNH2):c.2734dup (p.Arg912fs)

Gene: KCNH2 (potassium voltage-gated channel subfamily H member 2; minus strand). Cytogenetic location: 7q36.1.
Variant type: Duplication.
Coding change: c.2734dup on transcript NM_000238.4 (MANE Select); coding-DNA position 2734, one base duplicated (C; older notation c.2734dupC).
Protein change: p.Arg912fs; shifts the reading frame from arginine 912.
Molecular consequence: frameshift variant.
Genome position (GRCh38, 1-based): chr7:150,947,837, G duplicated on the plus strand (C on the coding strand, the reverse complement: KCNH2 is on the minus strand); the first of 2 consecutive G bases (chr7:150,947,837-150,947,838); duplicating either gives the same sequence. VCF-style (leftmost placement, unchanged base first): chr7-150947836-C-CG. GRCh37 (hg19) VCF-style: chr7-150644924-C-CG.
Other names: c.2445dup, p.Arg816Profs (NM_001406753.1); c.1714dup, p.Arg572fs (NM_172057.3); c.2734dupC (NM_000238.3); short protein forms R572fs, R912fs.
Identifiers: ClinVar variation 1795320 (VCV001795320.2), dbSNP rs2486008348, ClinGen allele CA2580077749.
Genomic context (GRCh38, chr7:150,947,836, plus strand): 5'-GACGGGCTCTCCCCCCACGGCCCCCCCGGCCGGCCCCGGCTACTCGGCCCTGCCCCCGCC[C>CG]GGCCCGGCCCCAAGGCCGACACCTCCCCTGGCTGCTCCGTGTCTGTGGGAAACAGAGAAT-3'